The following is an entry in ClinVar:

ClinVar aggregate classification (germline): Uncertain significance (1 of 4 stars; one submission).

Conditions:
Beta-D-mannosidosis (MANSB). Also called: Beta-Mannosidosis; MANNOSIDOSIS, BETA A, LYSOSOMAL; BETA-MANNOSIDASE DEFICIENCY; LYSOSOMAL BETA-MANNOSIDASE DEFICIENCY. Identifiers: Orphanet 118, MedGen C4048196, MONDO:0009562, OMIM 248510.

Allele frequency attached by ClinVar (database versions not stated): gnomAD exomes below 0.00001; TOPMed below 0.00001; gnomAD 0.00001.
gnomAD v4.1: 2 of 1,612,868 alleles (0.00012%); highest among the groups gnomAD compares: East Asian, 0.0045%; no homozygotes.

Submission:

Labcorp Genetics (formerly Invitae), Labcorp
Classification: Uncertain significance for Beta-D-mannosidosis. Last evaluated: 2022-04-10. Review status: criteria provided, single submitter. Criteria: Invitae Variant Classification Sherloc (09022015). Collection method: clinical testing. Allele origin: germline.
Comment: This sequence change replaces tryptophan, which is neutral and slightly polar, with leucine, which is neutral and non-polar, at codon 560 of the MANBA protein (p.Trp560Leu). This variant is not present in population databases (gnomAD no frequency). This variant has not been reported in the literature in individuals affected with MANBA-related conditions. Algorithms developed to predict the effect of missense changes on protein structure and function are either unavailable or do not agree on the potential impact of this missense change (SIFT: "Deleterious"; PolyPhen-2: "Probably Damaging"; Align-GVGD: "Class C0"). In summary, the available evidence is currently insufficient to determine the role of this variant in disease. Therefore, it has been classified as a Variant of Uncertain Significance.

NM_005908.4(MANBA):c.1679G>T (p.Trp560Leu)

Gene: MANBA (mannosidase beta; minus strand). Cytogenetic location: 4q24.
Variant type: single nucleotide variant.
Coding change: c.1679G>T on transcript NM_005908.4 (MANE Select); coding-DNA position 1679, G replaced by T.
Protein change: p.Trp560Leu; replaces tryptophan 560 with leucine.
Molecular consequence: missense variant.
Genome position (GRCh38, 1-based): chr4:102,657,707, C>A on the plus strand (G>T on the coding strand, the complement: MANBA is on the minus strand). VCF-style: chr4-102657707-C-A. GRCh37 (hg19) VCF-style: chr4-103578864-C-A.
Other names: short protein forms W560L.
Identifiers: ClinVar variation 2197636 (VCV002197636.1), dbSNP rs1730630605, ClinGen allele CA357758421.
Genomic context (GRCh38, chr4:102,657,707, plus strand): 5'-ATTCTGAAACATTAGAAAATCAAACGATGACTTACCTTTTCTAATGTACTGAAGGACGGC[C>A]AGGACTGATATCCATATTCAGATGCAAATCGAGCTTTTGGGAAAACTTTCCAGTTCCAGC-3'
Protein context (NP_005899.3, residues 550-570): RFASEYGYQS[Trp560Leu]PSFSTLEKVS